The following is an entry in ClinVar:

NM_000271.5(NPC1):c.3154_3156del (p.Ile1052del)

Gene: NPC1 (NPC intracellular cholesterol transporter 1; minus strand). Cytogenetic location: 18q11.2.
Variant type: Deletion.
Coding change: c.3154_3156del on transcript NM_000271.5 (MANE Select); coding-DNA positions 3154 to 3156, 3 bases deleted (ATT; older notation c.3154_3156delATT).
Protein change: p.Ile1052del; deletes isoleucine 1052.
Molecular consequence: inframe deletion.
Genome position (GRCh38, 1-based): chr18:23,536,762-23,536,764, AAT deleted on the plus strand (ATT on the coding strand, the reverse complement: NPC1 is on the minus strand); deleting any 3 consecutive bases within chr18:23,536,762-23,536,766 gives the same sequence; the c. name uses the placement nearest the transcript's 3' end. VCF-style (leftmost placement, unchanged base first): chr18-23536761-CAAT-C. GRCh37 (hg19) VCF-style: chr18-21116725-CAAT-C.
Other names: short protein forms I1052del.
Identifiers: ClinVar variation 1705784 (VCV001705784.2), dbSNP rs2511197169, ClinGen allele CA2580095482.

ClinVar aggregate classification (germline): Likely pathogenic. Review status: criteria provided, multiple submitters, no conflicts (2 of 4 stars). 2 submissions from 2 submitters: Likely pathogenic (2). Last evaluated 2026-01-08.

Conditions:
Niemann-Pick disease, type C1. Also called: NEUROVISCERAL STORAGE DISEASE WITH VERTICAL SUPRANUCLEAR OPHTHALMOPLEGIA; NIEMANN-PICK DISEASE WITH CHOLESTEROL ESTERIFICATION BLOCK; NIEMANN-PICK DISEASE WITHOUT SPHINGOMYELINASE DEFICIENCY; NIEMANN-PICK DISEASE, CHRONIC NEURONOPATHIC FORM; NIEMANN-PICK DISEASE, VARIANT TYPE C1. Identifiers: Orphanet 646, MedGen C3179455, MONDO:0009757, OMIM 257220.

Submissions (2):

Natera, Inc.
Classification: Likely pathogenic for Niemann-Pick disease type C1. Last evaluated: 2026-01-08. Review status: criteria provided, single submitter. Criteria: Natera Variant Classification Schema (03/2026). Collection method: clinical testing. Allele origin: germline.
Comment: The c.3154_3156del variant in NPC1 is an in-frame deletion predicted to remove isoleucine at amino acid 1052 while preserving the reading frame. This variant is rare in the general population with a frequency below the threshold expected for the associated phenotype(s). This variant has been observed in one or more individuals affected with the associated recessive disease, as either homozygous or compound heterozygous with a second variant (PMID: 38131230, 37433892). This variant results in a change to the protein length while preserving reading frame, which may disrupt normal protein structure or function. Given the available evidence, this variant is classified as Likely Pathogenic.

CENTOGENE GmbH and LLC - Guiding Precision Medicine
Classification: Likely pathogenic for Niemann-Pick disease, type C1. Last evaluated: 2022-08-30. Review status: criteria provided, single submitter. Criteria: ACMG Guidelines, 2015. Collection method: clinical testing. Allele origin: germline. Affected: yes.

Literature cited by the submitters: PubMed 38131230 (cited by Natera, Inc.); PubMed 37433892 (cited by Natera, Inc.).